The following is an entry in ClinVar:

NM_014314.4(RIGI):c.65C>A (p.Pro22His)

Genes: RIGI (RNA sensor RIG-I; minus strand), LOC130001628 (ATAC-STARR-seq lymphoblastoid active region 28262; plus strand). Cytogenetic location: 9p21.1.
Variant type: single nucleotide variant.
Coding change: c.65C>A on transcript NM_014314.4 (MANE Select); coding-DNA position 65, C replaced by A.
Protein change: p.Pro22His; replaces proline 22 with histidine.
Molecular consequence: missense variant. On other transcripts: 5 prime UTR variant (3).
Genome position (GRCh38, 1-based): chr9:32,526,102, G>T on the plus strand (C>A on the coding strand, the complement: RIGI is on the minus strand). VCF-style: chr9-32526102-G-T. GRCh37 (hg19) VCF-style: chr9-32526100-G-T.
Other names: c.65C>A, p.Pro22His (NM_001385907.1, NM_001385909.1, NM_001385913.1); c.-390C>A (NM_001385910.1, NM_001385914.1); c.-397C>A (NM_001385912.1); short protein forms P22H.
Identifiers: ClinVar variation 2013298 (VCV002013298.4), dbSNP rs1400166287, ClinGen allele CA373150941.
Genomic context (GRCh38, chr9:32,526,102, plus strand): 5'-CGCCGCTGGAGACACTCACCCTCCCTAAACCAGGGGGCCATGTAGCTCAGGATGTAGGTA[G>T]GGTCCAGGGTCTTCCGGATATAATCCTGGAAGGCTTGCAGGCTGCGTCGCTGCTCGGTGG-3'
Protein context (NP_055129.2, residues 12-32): FQDYIRKTLD[Pro22His]TYILSYMAPW

ClinVar aggregate classification (germline): Uncertain significance (1 of 4 stars; one submission).

Submission:

Labcorp Genetics (formerly Invitae), Labcorp
Classification: Uncertain significance. Last evaluated: 2022-07-02. Review status: criteria provided, single submitter. Criteria: Invitae Variant Classification Sherloc (09022015). Collection method: clinical testing. Allele origin: germline.
Comment: In summary, the available evidence is currently insufficient to determine the role of this variant in disease. Therefore, it has been classified as a Variant of Uncertain Significance. Algorithms developed to predict the effect of missense changes on protein structure and function are either unavailable or do not agree on the potential impact of this missense change (SIFT: "Deleterious"; PolyPhen-2: "Probably Damaging"; Align-GVGD: "Class C0"). This variant has not been reported in the literature in individuals affected with DDX58-related conditions. This variant is not present in population databases (gnomAD no frequency). This sequence change replaces proline, which is neutral and non-polar, with histidine, which is basic and polar, at codon 22 of the DDX58 protein (p.Pro22His).